The following is an entry in ClinVar:

NM_006565.4(CTCF):c.1802A>G (p.Lys601Arg)

Gene: CTCF (CCCTC-binding factor; plus strand). Cytogenetic location: 16q22.1.
Variant type: single nucleotide variant.
Coding change: c.1802A>G on transcript NM_006565.4 (MANE Select); coding-DNA position 1802, A replaced by G.
Protein change: p.Lys601Arg; replaces lysine 601 with arginine.
Molecular consequence: missense variant.
Genome position (GRCh38, 1-based): chr16:67,629,498, A>G. VCF-style: chr16-67629498-A-G. GRCh37 (hg19) VCF-style: chr16-67663401-A-G.
Other names: c.818A>G, p.Lys273Arg (NM_001191022.2); c.1802A>G, p.Lys601Arg (NM_001363916.2); short protein forms K273R, K601R.
Identifiers: ClinVar variation 3378336 (VCV003378336.1).

ClinVar aggregate classification (germline): Uncertain significance (1 of 4 stars; one submission).

Submission:

GeneDx
Classification: Uncertain significance. Last evaluated: 2024-05-14. Review status: criteria provided, single submitter. Criteria: GeneDx Variant Classification Process June 2021. Collection method: clinical testing. Allele origin: germline. Affected: yes.
Comment: Not observed at significant frequency in large population cohorts (gnomAD); In silico analysis indicates that this missense variant does not alter protein structure/function; Has not been previously published as pathogenic or benign to our knowledge